The following is an entry in ClinVar:

ClinVar aggregate classification (germline): Uncertain significance. Review status: criteria provided, multiple submitters, no conflicts (2 of 4 stars). 6 submissions from 6 submitters: Uncertain significance (6). Last evaluated 2025-04-01.

Conditions:
Hereditary breast ovarian cancer syndrome. Also called: Hereditary breast and ovarian cancer syndrome; BRCA1- and BRCA2-Associated Hereditary Breast and Ovarian Cancer; Breast and ovarian cancer; Hereditary breast and/or ovarian cancer syndrome; Hereditary breast and ovarian cancer; Hereditary breast and ovarian cancer syndrome (HBOC). Identifiers: Orphanet 145, MedGen C0677776, MeSH D061325, MONDO:0003582. Disease mechanism: loss of function.
Hereditary cancer-predisposing syndrome. Also called: Neoplastic Syndromes, Hereditary; Tumor predisposition; Hereditary Cancer Syndrome; Hereditary neoplastic syndrome. Identifiers: Orphanet 140162, MedGen C0027672, MeSH D009386, MONDO:0015356.

Allele frequency attached by ClinVar (database versions not stated): gnomAD exomes below 0.00001; gnomAD 0.00001; TOPMed 0.00001.
gnomAD v4.1: 6 of 1,613,900 alleles (0.00037%); highest among the groups gnomAD compares: East Asian, 0.0022%; no homozygotes.

Submissions (6):

Ambry Genetics
Classification: Uncertain significance for Hereditary cancer-predisposing syndrome. Last evaluated: 2025-04-01. Review status: criteria provided, single submitter. Criteria: Ambry Variant Classification Scheme 2023. Collection method: clinical testing. Allele origin: germline.
Comment: The p.N2390D variant (also known as c.7168A>G), located in coding exon 13 of the BRCA2 gene, results from an A to G substitution at nucleotide position 7168. The asparagine at codon 2390 is replaced by aspartic acid, an amino acid with highly similar properties. This amino acid position is not well conserved in available vertebrate species. In addition, this alteration is predicted to be tolerated by in silico analysis. Based on the available evidence, the clinical significance of this variant remains unclear.

Labcorp Genetics (formerly Invitae), Labcorp
Classification: Uncertain significance for Hereditary breast ovarian cancer syndrome. Last evaluated: 2024-03-28. Review status: criteria provided, single submitter. Criteria: Invitae Variant Classification Sherloc (09022015). Collection method: clinical testing. Allele origin: germline.
Comment: This sequence change replaces asparagine, which is neutral and polar, with aspartic acid, which is acidic and polar, at codon 2390 of the BRCA2 protein (p.Asn2390Asp). This variant is not present in population databases (gnomAD no frequency). This variant has not been reported in the literature in individuals affected with BRCA2-related conditions. ClinVar contains an entry for this variant (Variation ID: 233980). Advanced modeling of protein sequence and biophysical properties (such as structural, functional, and spatial information, amino acid conservation, physicochemical variation, residue mobility, and thermodynamic stability) performed at Invitae indicates that this missense variant is not expected to disrupt BRCA2 protein function with a negative predictive value of 95%. In summary, the available evidence is currently insufficient to determine the role of this variant in disease. Therefore, it has been classified as a Variant of Uncertain Significance.

Quest Diagnostics Nichols Institute San Juan Capistrano
Classification: Uncertain significance. Last evaluated: 2024-02-12. Review status: criteria provided, single submitter. Criteria: Quest Diagnostics criteria. Collection method: clinical testing. Allele origin: unknown.
Comment: The BRCA2 c.7168A>G (p.Asn2390Asp) variant has not been reported in individuals with BRCA2-related conditions in the published literature. It also has not been reported in large, multi-ethnic general populations (Genome Aggregation Database). Analysis of this variant using bioinformatics tools for the prediction of the effect of amino acid changes on protein structure and function yielded predictions that this variant is benign. Based on the available information, we are unable to determine the clinical significance of this variant.

Sema4
Classification: Uncertain significance for Hereditary cancer-predisposing syndrome. Last evaluated: 2021-07-06. Review status: criteria provided, single submitter. Criteria: Sema4 Curation Guidelines. Collection method: curation. Allele origin: germline.
Comment: To the best of our knowledge, the BRCA2 c.7168A>G (p.N2390D) variant has not been reported in individuals with BRCA2-related disease. It was not observed in the large and broad cohorts of the Genome Aggregation Database (PMID: 32461654). The variant has been reported in ClinVar (Variation ID 233980). Functional studies have not been performed, and in silico predictions of the variant's effect on protein function are inconclusive. The evidence is insufficient to meet ACMG/AMP criteria for classifying the variant as benign or pathogenic. Thus, the clinical significance of this variant is currently uncertain.

ARUP Laboratories, Molecular Genetics and Genomics, ARUP Laboratories
Classification: Uncertain significance. Last evaluated: 2019-08-22. Review status: criteria provided, single submitter. Criteria: ARUP Molecular Germline Variant Investigation Process. Collection method: clinical testing. Allele origin: germline.
Comment: The BRCA2 c.7168A>G; p.Asn2390Asp variant (rs876660772), to our knowledge, is not reported in the medical literature but is reported in ClinVar (Variation ID: 233980). This variant is absent from general population databases (Exome Variant Server, Genome Aggregation Database), indicating it is not a common polymorphism. The asparagine at codon 2390 is weakly conserved, and computational analyses (SIFT: damaging, PolyPhen-2: benign) predict conflicting effects of this variant on protein structure/function. However, due to limited information, the clinical significance of the p.Asn2390Asp variant is uncertain at this time.

Color Diagnostics, LLC DBA Color Health
Classification: Uncertain significance for Hereditary cancer-predisposing syndrome. Last evaluated: 2019-06-05. Review status: criteria provided, single submitter. Criteria: ACMG Guidelines, 2015. Collection method: clinical testing. Allele origin: germline.

NM_000059.4(BRCA2):c.7168A>G (p.Asn2390Asp)

Gene: BRCA2 (BRCA2 DNA repair associated; plus strand). Cytogenetic location: 13q13.1.
Variant type: single nucleotide variant.
Coding change: c.7168A>G on transcript NM_000059.4 (MANE Select); coding-DNA position 7168, A replaced by G.
Protein change: p.Asn2390Asp; replaces asparagine 2390 with aspartic acid.
Molecular consequence: missense variant.
Genome position (GRCh38, 1-based): chr13:32,355,021, A>G. VCF-style: chr13-32355021-A-G. GRCh37 (hg19) VCF-style: chr13-32929158-A-G.
Other names: short protein forms N2390D.
Identifiers: ClinVar variation 233980 (VCV000233980.28), dbSNP rs876660772, ClinGen allele CA10579725.